The following is an entry in ClinVar:

ClinVar aggregate classification (germline): Uncertain significance (1 of 4 stars; one submission).

Allele frequency attached by ClinVar (database versions not stated): TOPMed below 0.00001; ExAC 0.00001; gnomAD 0.00001; gnomAD exomes 0.00001.

Submission:

CeGaT Center for Human Genetics Tuebingen
Classification: Uncertain significance. Last evaluated: 2022-07-01. Review status: criteria provided, single submitter. Criteria: CeGaT Center For Human Genetics Tuebingen Variant Classification Criteria Version 2. Collection method: clinical testing. Allele origin: germline. Affected: yes. Observed: 1 variant allele.
Comment: RASAL1: PVS1:Strong

NM_001301202.2(RASAL1):c.1912dup (p.Gln638fs)

Gene: RASAL1 (RAS protein activator like 1; minus strand). Cytogenetic location: 12q24.13.
Variant type: Duplication.
Coding change: c.1912dup on transcript NM_001301202.2 (MANE Select); coding-DNA position 1912, one base duplicated (C; older notation c.1912dupC).
Protein change: p.Gln638fs; shifts the reading frame from glutamine 638.
Molecular consequence: frameshift variant. On other transcripts: intron variant (2).
Genome position (GRCh38, 1-based): chr12:113,104,217, G duplicated on the plus strand (C on the coding strand, the reverse complement: RASAL1 is on the minus strand). VCF-style (leftmost placement, unchanged base first): chr12-113104216-T-TG. GRCh37 (hg19) VCF-style: chr12-113542021-T-TG.
Other names: c.1915dup, p.Gln639fs (NM_001394081.1, NM_001193520.2); c.1912dup, p.Gln638fs (NM_001394082.1, NM_001394083.1, NM_001394084.1); c.1909dup, p.Gln637fs (NM_001394085.1, NM_004658.3); c.1723dup, p.Gln575fs (NM_001394087.1); c.1549dup, p.Gln517fs (NM_001394088.1); c.1246dup, p.Gln416fs (NM_001394089.1); c.1828-3dup (NM_001193521.3); c.1831-3dup (NM_001394086.1); short protein forms Q416fs, Q517fs, Q575fs, Q637fs, Q638fs, Q639fs.
Identifiers: ClinVar variation 1701212 (VCV001701212.31), dbSNP rs774352133, ClinGen allele CA6802361.